The following is an entry in ClinVar:

ClinVar aggregate classification (germline): Pathogenic (1 of 4 stars; one submission).

Conditions:
Intellectual developmental disorder, X-linked, syndromic 37. Identifiers: MedGen C5935567, MONDO:0958322, OMIM 301118.

Submission:

Variantyx, Inc.
Classification: Pathogenic for Intellectual developmental disorder, X-linked, syndromic 37. Last evaluated: 2026-01-20. Review status: criteria provided, single submitter. Criteria: Variantyx Assertion Criteria 2022. Collection method: clinical testing. Allele origin: maternal. Inheritance: X-linked inheritance. Affected: yes.
Comment: This is a frameshift variant in the ZFX gene (OMIM: 314980). Pathogenic variants in this gene have been associated with X-linked syndromic intellectual developmental disorder 37. This variant introduces a premature termination codon in exon 10 out of 10 and is expected to result in loss of function, which is a known disease mechanism for ZFX in this disorder (PMID: 38325380) (PVS1). Note that a downstream loss of function variant has been reported in an affected individual (PMID: 38325380). This variant is absent from control populations (PM2) and has not been reported in individuals with ZFX-related disorders in the databases available for review. Based on the current evidence, this variant is classified as pathogenic for X-linked syndromic intellectual developmental disorder 37.

Literature cited by the submitters: PubMed 38325380.

NM_003410.4(ZFX):c.1763_1764del (p.Ser588fs)

Gene: ZFX (zinc finger protein X-linked; plus strand). Cytogenetic location: Xp22.11.
Variant type: Microsatellite.
Coding change: c.1763_1764del on transcript NM_003410.4 (MANE Select); coding-DNA positions 1763 to 1764, 2 bases deleted (CT; older notation c.1763_1764delCT).
Protein change: p.Ser588fs; shifts the reading frame from serine 588.
Molecular consequence: frameshift variant. On other transcripts: 3 prime UTR variant (1).
Genome position (GRCh38, 1-based): chrX:24,210,721-24,210,722, CT deleted; deleting any 2 consecutive bases within chrX:24,210,719-24,210,722 gives the same sequence; the c. name uses the placement nearest the transcript's 3' end. VCF-style (leftmost placement, unchanged base first): chrX-24210718-ACT-A. GRCh37 (hg19) VCF-style: chrX-24228835-ACT-A.
Other names: c.1763_1764del, p.Ser588fs (NM_001178084.2, NM_001178085.1); c.1076_1077del, p.Ser359fs (NM_001178086.2); c.*521CT[1] (NM_001178095.2); c.1880_1881del, p.Ser627fs (NM_001330327.2); short protein forms S359fs, S588fs, S627fs.
Identifiers: ClinVar variation 4813719 (VCV004813719.1).